The following is an entry in ClinVar:

NM_003742.4(ABCB11):c.2694G>A (p.Trp898Ter)

Genes: ABCB11 (ATP binding cassette subfamily B member 11; minus strand), LOC126806400 (CDK7 strongly-dependent group 2 enhancer GRCh37_chr2:169791870-169793069; plus strand). Cytogenetic location: 2q31.1.
Variant type: single nucleotide variant.
Coding change: c.2694G>A on transcript NM_003742.4 (MANE Select); coding-DNA position 2694, G replaced by A.
Protein change: p.Trp898Ter; replaces tryptophan 898 with a stop codon.
Molecular consequence: nonsense.
Genome position (GRCh38, 1-based): chr2:168,936,350, C>T on the plus strand (G>A on the coding strand, the complement: ABCB11 is on the minus strand). VCF-style: chr2-168936350-C-T. GRCh37 (hg19) VCF-style: chr2-169792860-C-T.
Other names: short protein forms W898*.
Identifiers: ClinVar variation 4846219 (VCV004846219.1).

ClinVar aggregate classification (germline): Pathogenic (1 of 4 stars; one submission).

Conditions:
Familial intrahepatic cholestasis. Identifiers: Orphanet 284385, MedGen CN296401, MONDO:0017290.

gnomAD v4.1: 1 of 1,613,872 alleles (0.000062%); highest among the groups gnomAD compares: Non-Finnish European, 0.000085%; no homozygotes.

Submission:

Genomenon, Inc
Classification: Pathogenic for Familial intrahepatic cholestasis. Last evaluated: 2026-04-14. Review status: criteria provided, single submitter. Criteria: Genomenon Sequence Variant Interpretation Standards - Updated. Collection method: curation. Allele origin: germline. Affected: yes.
Comment: ABCB11 p.Trp898Ter (c.2694G>A) is a nonsense variant that introduces a premature stop codon at amino acid position 898, creating a truncated protein that is predicted to undergo nonsense-mediated mRNA decay. This variant has been observed in at least one proband with an ABCB11-related disorder (PMID:41165782). It is absent or not present at a significant frequency in gnomAD. In conclusion, we classify ABCB11 p.Trp898Ter (c.2694G>A) as a pathogenic variant.

Literature cited by the submitters: PubMed 41165782.